The following is an entry in ClinVar:

NM_000126.4(ETFA):c.964-20C>G

Gene: ETFA (electron transfer flavoprotein subunit alpha; minus strand). Cytogenetic location: 15q24.2.
Variant type: single nucleotide variant.
Coding change: c.964-20C>G on transcript NM_000126.4 (MANE Select); 20 bases into the intron before coding-DNA position 964, C replaced by G.
Molecular consequence: intron variant.
Genome position (GRCh38, 1-based): chr15:76,216,617, G>C on the plus strand (C>G on the coding strand, the complement: ETFA is on the minus strand). VCF-style: chr15-76216617-G-C. GRCh37 (hg19) VCF-style: chr15-76508958-G-C.
Other names: c.817-20C>G (NM_001127716.2).
Identifiers: ClinVar variation 509665 (VCV000509665.10), dbSNP rs570818940, ClinGen allele CA7673535.

ClinVar aggregate classification (germline): Benign/Likely benign. Review status: criteria provided, multiple submitters, no conflicts (2 of 4 stars). 3 submissions from 3 submitters: Benign (1); Likely benign (2). Last evaluated 2026-01-28.

Conditions:
Multiple acyl-CoA dehydrogenase deficiency (MADD). Also called: Glutaric aciduria, type 2; ETHYLMALONIC-ADIPICACIDURIA; GA II; Glutaric acidemia type II; GA 2; Glutaric Acidemia type 2. Identifiers: Orphanet 26791, MedGen C0268596, MONDO:0009282, OMIM 231680.

Allele frequency attached by ClinVar (database versions not stated): 1000 Genomes Project 30x 0.00078; 1000 Genomes Project 0.00100; gnomAD below 0.00001 and 0.00008; TOPMed 0.00003; ExAC 0.00040; gnomAD exomes 0.00040.
gnomAD v4.1: 331 of 1,524,894 alleles (0.022%); highest among the groups gnomAD compares: South Asian, 0.32%; 1 homozygote.

Submissions (3):

Labcorp Genetics (formerly Invitae), Labcorp
Classification: Benign for Multiple acyl-CoA dehydrogenase deficiency. Last evaluated: 2026-01-28. Review status: criteria provided, single submitter. Criteria: Invitae Variant Classification Sherloc (09022015). Collection method: clinical testing. Allele origin: germline.

Blueprint Genetics
Classification: Likely benign. Last evaluated: 2024-09-23. Review status: criteria provided, single submitter. Criteria: ACMG Guidelines, 2015. Collection method: clinical testing. Allele origin: germline.

GeneDx
Classification: Likely benign. Last evaluated: 2017-06-01. Review status: criteria provided, single submitter. Criteria: GeneDx Variant Classification (06012015). Collection method: clinical testing. Allele origin: germline. Affected: yes.
Comment: This variant is considered likely benign or benign based on one or more of the following criteria: it is a conservative change, it occurs at a poorly conserved position in the protein, it is predicted to be benign by multiple in silico algorithms, and/or has population frequency not consistent with disease.